The following is an entry in ClinVar:

ClinVar aggregate classification (germline): Likely pathogenic (1 of 4 stars; one submission).

Conditions:
Dilated cardiomyopathy 1G (CMD1G). Identifiers: Orphanet 154, MedGen C1858763, MONDO:0011400, OMIM 604145.
Autosomal recessive limb-girdle muscular dystrophy type 2J (LGMDR10). Also called: Limb-girdle muscular dystrophy, type 2J; MUSCULAR DYSTROPHY, LIMB-GIRDLE, AUTOSOMAL RECESSIVE 10. Identifiers: Orphanet 140922, MedGen C1837342, MONDO:0012127, OMIM 608807.

Submission:

Labcorp Genetics (formerly Invitae), Labcorp
Classification: Likely pathogenic for Dilated cardiomyopathy 1G; Autosomal recessive limb-girdle muscular dystrophy type 2J. Last evaluated: 2022-07-25. Review status: criteria provided, single submitter. Criteria: Invitae Variant Classification Sherloc (09022015). Collection method: clinical testing. Allele origin: germline.
Comment: In summary, the currently available evidence indicates that the variant is pathogenic, but additional data are needed to prove that conclusively. Therefore, this variant has been classified as Likely Pathogenic. This variant is located in the A band of TTN (PMID: 25589632). Truncating variants in this region are significantly overrepresented in patients affected with dilated cardiomyopathy (PMID: 25589632). Truncating variants in this region have also been reported in individuals affected with autosomal recessive centronuclear myopathy (PMID: 23975875). ClinVar contains an entry for this variant (Variation ID: 636725). This premature translational stop signal has been observed in individual(s) with dilated cardiomyopathy (PMID: 27532257). This variant is not present in population databases (gnomAD no frequency). This sequence change creates a premature translational stop signal (p.Trp28571*) in the TTN gene. While this is not anticipated to result in nonsense mediated decay, it is expected to create a truncated TTN protein.

Literature cited by the submitters: PubMed 25589632; PubMed 23975875; PubMed 27532257.

NM_001267550.2(TTN):c.85713G>A (p.Trp28571Ter)

Genes: TTN (titin; minus strand), TTN-AS1 (TTN antisense RNA 1; plus strand). Cytogenetic location: 2q31.2.
Variant type: single nucleotide variant.
Coding change: c.85713G>A on transcript NM_001267550.2 (MANE Select); coding-DNA position 85713, G replaced by A.
Protein change: p.Trp28571Ter; replaces tryptophan 28571 with a stop codon.
Molecular consequence: nonsense.
Genome position (GRCh38, 1-based): chr2:178,560,419, C>T on the plus strand (G>A on the coding strand, the complement: TTN is on the minus strand). VCF-style: chr2-178560419-C-T. GRCh37 (hg19) VCF-style: chr2-179425146-C-T.
Other names: c.80790G>A, p.Trp26930Ter (NM_001256850.1); c.58518G>A, p.Trp19506Ter (NM_003319.4); c.78009G>A, p.Trp26003Ter (NM_133378.4); c.58893G>A, p.Trp19631Ter (NM_133432.3); c.59094G>A, p.Trp19698Ter (NM_133437.4); short protein forms W28571*, W19506*, W26003*, W26930*, W19631*, W19698*.
Identifiers: ClinVar variation 636725 (VCV000636725.10), dbSNP rs1575612435, ClinGen allele CA349550982.